The following is an entry in ClinVar:

NM_178452.6(DNAAF1):c.533T>C (p.Leu178Pro)

Gene: DNAAF1 (dynein axonemal assembly factor 1; plus strand). Cytogenetic location: 16q24.1.
Variant type: single nucleotide variant.
Coding change: c.533T>C on transcript NM_178452.6 (MANE Select); coding-DNA position 533, T replaced by C.
Protein change: p.Leu178Pro; replaces leucine 178 with proline.
Molecular consequence: missense variant.
Genome position (GRCh38, 1-based): chr16:84,154,757, T>C. VCF-style: chr16-84154757-T-C. GRCh37 (hg19) VCF-style: chr16-84188362-T-C.
Other names: short protein forms L178P.
Identifiers: ClinVar variation 1046689 (VCV001046689.9), dbSNP rs2087331937, ClinGen allele CA396943140.

ClinVar aggregate classification (germline): Uncertain significance (1 of 4 stars; one submission).

Conditions:
Primary ciliary dyskinesia. Also called: Ciliary dyskinesia. Identifiers: Orphanet 244, MedGen C0008780, MONDO:0016575, HP:0012265.

Submission:

Labcorp Genetics (formerly Invitae), Labcorp
Classification: Uncertain significance for Primary ciliary dyskinesia. Last evaluated: 2020-03-17. Review status: criteria provided, single submitter. Criteria: Invitae Variant Classification Sherloc (09022015). Collection method: clinical testing. Allele origin: germline.
Comment: In summary, the available evidence is currently insufficient to determine the role of this variant in disease. Therefore, it has been classified as a Variant of Uncertain Significance. Algorithms developed to predict the effect of missense changes on protein structure and function (SIFT, PolyPhen-2, Align-GVGD) all suggest that this variant is likely to be disruptive, but these predictions have not been confirmed by published functional studies and their clinical significance is uncertain. This variant has not been reported in the literature in individuals with DNAAF1-related conditions. This variant is not present in population databases (ExAC no frequency). This sequence change replaces leucine with proline at codon 178 of the DNAAF1 protein (p.Leu178Pro). The leucine residue is highly conserved and there is a moderate physicochemical difference between leucine and proline.